The following is an entry in ClinVar:

NM_006642.5(SDCCAG8):c.955C>G (p.Leu319Val)

Gene: SDCCAG8 (SHH signaling and ciliogenesis regulator SDCCAG8; plus strand). Cytogenetic location: 1q43.
Variant type: single nucleotide variant.
Coding change: c.955C>G on transcript NM_006642.5 (MANE Select); coding-DNA position 955, C replaced by G.
Protein change: p.Leu319Val; replaces leucine 319 with valine.
Molecular consequence: missense variant.
Genome position (GRCh38, 1-based): chr1:243,316,780, C>G. VCF-style: chr1-243316780-C-G. GRCh37 (hg19) VCF-style: chr1-243480082-C-G.
Other names: c.52C>G, p.Leu18Val (NM_001350246.2, NM_001350247.2, NM_001350251.2); c.1051C>G, p.Leu351Val (NM_001350248.2); c.661C>G, p.Leu221Val (NM_001350249.2); c.955C>G (NM_006642.3); short protein forms L351V, L18V, L221V, L319V.
Identifiers: ClinVar variation 4949808 (VCV004949808.2).

ClinVar aggregate classification (germline): Uncertain significance. Review status: criteria provided, multiple submitters, no conflicts (2 of 4 stars). 2 submissions from 2 submitters: Uncertain significance (2). Last evaluated 2026-07-21.

Conditions:
SDCCAG8-related disorder. Also called: SDCCAG8-related condition; SDCCAG8-Related Disorders.

gnomAD v4.1: 3 of 1,614,158 alleles (0.00019%); highest among the groups gnomAD compares: Non-Finnish European, 0.00025%; no homozygotes.

Submissions (2):

PreventionGenetics, part of Exact Sciences
Classification: Uncertain significance for SDCCAG8-related condition. Last evaluated: 2026-07-21. Review status: criteria provided, single submitter. Criteria: ACMG Guidelines, 2015. Collection method: clinical testing. Allele origin: germline.
Comment: The SDCCAG8 c.955C>G variant is predicted to result in the amino acid substitution p.Leu319Val. To our knowledge, this variant has not been reported in the literature or in a large population database (gnomAD), indicating this variant is rare. At this time, the clinical significance of this variant is uncertain due to the absence of conclusive functional and genetic evidence.

Blueprint Genetics
Classification: Uncertain significance. Last evaluated: 2022-04-26. Review status: criteria provided, single submitter. Criteria: ACMG Guidelines, 2015. Collection method: clinical testing. Allele origin: germline.